The following is an entry in ClinVar:

ClinVar aggregate classification (germline): Uncertain significance. Review status: criteria provided, multiple submitters, no conflicts (2 of 4 stars). 2 submissions from 2 submitters: Uncertain significance (2). Last evaluated 2025-10-14.

Conditions:
Hereditary cancer-predisposing syndrome. Also called: Neoplastic Syndromes, Hereditary; Tumor predisposition; Hereditary Cancer Syndrome; Hereditary neoplastic syndrome. Identifiers: Orphanet 140162, MedGen C0027672, MeSH D009386, MONDO:0015356.

Allele frequency attached by ClinVar (database versions not stated): ExAC 0.00001.
gnomAD v4.1: 1 of 1,613,724 alleles (0.000062%); highest among the groups gnomAD compares: South Asian, 0.0011%; no homozygotes.

Submissions (2):

Labcorp Genetics (formerly Invitae), Labcorp
Classification: Uncertain significance. Last evaluated: 2025-10-14. Review status: criteria provided, single submitter. Criteria: Invitae Variant Classification Sherloc (09022015). Collection method: clinical testing. Allele origin: germline.
Comment: This sequence change replaces aspartic acid, which is acidic and polar, with tyrosine, which is neutral and polar, at codon 666 of the MSH3 protein (p.Asp666Tyr). This variant is present in population databases (rs759657866, gnomAD 0.003%). This variant has not been reported in the literature in individuals affected with MSH3-related conditions. ClinVar contains an entry for this variant (Variation ID: 1784060). An algorithm developed to predict the effect of missense changes on protein structure and function (PolyPhen-2) suggests that this variant is likely to be tolerated. In summary, the available evidence is currently insufficient to determine the role of this variant in disease. Therefore, it has been classified as a Variant of Uncertain Significance.

Ambry Genetics
Classification: Uncertain significance for Hereditary cancer-predisposing syndrome. Last evaluated: 2025-02-17. Review status: criteria provided, single submitter. Criteria: Ambry Variant Classification Scheme 2023. Collection method: clinical testing. Allele origin: germline.
Comment: The p.D666Y variant (also known as c.1996G>T), located in coding exon 14 of the MSH3 gene, results from a G to T substitution at nucleotide position 1996. The aspartic acid at codon 666 is replaced by tyrosine, an amino acid with highly dissimilar properties. This amino acid position is not well conserved in available vertebrate species. In addition, this alteration is predicted to be tolerated by in silico analysis. Based on the available evidence, the clinical significance of this variant remains unclear.

NM_002439.5(MSH3):c.1996G>T (p.Asp666Tyr)

Gene: MSH3 (mutS homolog 3; plus strand). Cytogenetic location: 5q14.1.
Variant type: single nucleotide variant.
Coding change: c.1996G>T on transcript NM_002439.5 (MANE Select); coding-DNA position 1996, G replaced by T.
Protein change: p.Asp666Tyr; replaces aspartic acid 666 with tyrosine.
Molecular consequence: missense variant.
Genome position (GRCh38, 1-based): chr5:80,768,032, G>T. VCF-style: chr5-80768032-G-T. GRCh37 (hg19) VCF-style: chr5-80063851-G-T.
Other names: short protein forms D666Y.
Identifiers: ClinVar variation 1784060 (VCV001784060.8), dbSNP rs759657866, ClinGen allele CA3328108.